The following is an entry in ClinVar:

NM_032043.3(BRIP1):c.608A>G (p.Asn203Ser)

Gene: BRIP1 (BRCA1 interacting DNA helicase 1; minus strand). Cytogenetic location: 17q23.2.
Variant type: single nucleotide variant.
Coding change: c.608A>G on transcript NM_032043.3 (MANE Select); coding-DNA position 608, A replaced by G.
Protein change: p.Asn203Ser; replaces asparagine 203 with serine.
Molecular consequence: missense variant.
Genome position (GRCh38, 1-based): chr17:61,847,120, T>C on the plus strand (A>G on the coding strand, the complement: BRIP1 is on the minus strand). VCF-style: chr17-61847120-T-C. GRCh37 (hg19) VCF-style: chr17-59924481-T-C.
Other names: short protein forms N203S.
Identifiers: ClinVar variation 944036 (VCV000944036.13), dbSNP rs2078745913, ClinGen allele CA400482867.

ClinVar aggregate classification (germline): Uncertain significance. Review status: criteria provided, multiple submitters, no conflicts (2 of 4 stars). 2 submissions from 2 submitters: Uncertain significance (2). Last evaluated 2021-07-18.

Conditions:
Familial cancer of breast. Also called: BREAST CANCER, FAMILIAL; Hereditary breast cancer; hereditary breast carcinoma. Identifiers: Orphanet 227535, MedGen C0346153, MONDO:0016419, OMIM 114480. Disease mechanism: loss of function.
Fanconi anemia complementation group J. Also called: BRIP1-Related Fanconi Anemia. Identifiers: Orphanet 84, MedGen C1836860, MONDO:0012187, OMIM 609054.
Hereditary cancer-predisposing syndrome. Also called: Neoplastic Syndromes, Hereditary; Hereditary neoplastic syndrome; Hereditary Cancer Syndrome; Tumor predisposition. Identifiers: Orphanet 140162, MedGen C0027672, MeSH D009386, MONDO:0015356.

Submissions (2):

Ambry Genetics
Classification: Uncertain significance for Hereditary cancer-predisposing syndrome. Last evaluated: 2021-07-18. Review status: criteria provided, single submitter. Criteria: Ambry Variant Classification Scheme 2023. Collection method: clinical testing. Allele origin: germline.
Comment: The p.N203S variant (also known as c.608A>G), located in coding exon 5 of the BRIP1 gene, results from an A to G substitution at nucleotide position 608. The asparagine at codon 203 is replaced by serine, an amino acid with highly similar properties. This amino acid position is conserved. In addition, this alteration is predicted to be tolerated by in silico analysis. Since supporting evidence is limited at this time, the clinical significance of this alteration remains unclear.

Labcorp Genetics (formerly Invitae), Labcorp
Classification: Uncertain significance for Familial cancer of breast; Fanconi anemia complementation group J. Last evaluated: 2019-07-04. Review status: criteria provided, single submitter. Criteria: Invitae Variant Classification Sherloc (09022015). Collection method: clinical testing. Allele origin: germline.
Comment: In summary, the available evidence is currently insufficient to determine the role of this variant in disease. Therefore, it has been classified as a Variant of Uncertain Significance. Algorithms developed to predict the effect of missense changes on protein structure and function output the following: SIFT: "Tolerated"; PolyPhen-2: "Benign"; Align-GVGD: "Class C0". The serine amino acid residue is found in multiple mammalian species, suggesting that this missense change does not adversely affect protein function. These predictions have not been confirmed by published functional studies and their clinical significance is uncertain. This variant has not been reported in the literature in individuals with BRIP1-related conditions. This variant is not present in population databases (ExAC no frequency). This sequence change replaces asparagine with serine at codon 203 of the BRIP1 protein (p.Asn203Ser). The asparagine residue is weakly conserved and there is a small physicochemical difference between asparagine and serine.